The following is an entry in ClinVar:

NM_016507.4(CDK12):c.2044C>T (p.Pro682Ser)

Gene: CDK12 (cyclin dependent kinase 12; plus strand). Cytogenetic location: 17q12.
Variant type: single nucleotide variant.
Coding change: c.2044C>T on transcript NM_016507.4 (MANE Select); coding-DNA position 2044, C replaced by T.
Protein change: p.Pro682Ser; replaces proline 682 with serine.
Molecular consequence: missense variant.
Genome position (GRCh38, 1-based): chr17:39,490,669, C>T. VCF-style: chr17-39490669-C-T. GRCh37 (hg19) VCF-style: chr17-37646922-C-T.
Other names: c.2044C>T, p.Pro682Ser (NM_015083.4); short protein forms P682S.
Identifiers: ClinVar variation 4224261 (VCV004224261.1).
Genomic context (GRCh38, chr17:39,490,669, plus strand): 5'-ACACGTCACTTACTCACAGACCTTCCTCTCCCTCCAGAGCTCCCTGGTGGAGATCTGTCT[C>T]CCCCAGACTCTCCAGAACCAAAGGCAATCACACCACCTCAGCAACCATATAAAAAGAGAC-3'
Protein context (NP_057591.2, residues 672-692): PPELPGGDLS[Pro682Ser]PDSPEPKAIT

ClinVar aggregate classification (germline): Uncertain significance (1 of 4 stars; one submission).

gnomAD v4.1: 4 of 1,613,384 alleles (0.00025%); highest among the groups gnomAD compares: South Asian, 0.0033%; no homozygotes.

Submission:

Ambry Genetics
Classification: Uncertain significance. Last evaluated: 2025-07-05. Review status: criteria provided, single submitter. Criteria: Ambry Variant Classification Scheme 2023. Collection method: clinical testing. Allele origin: germline.
Comment: The p.P682S variant (also known as c.2044C>T), located in coding exon 3 of the CDK12 gene, results from a C to T substitution at nucleotide position 2044. The proline at codon 682 is replaced by serine, an amino acid with similar properties. This amino acid position is conserved. In addition, this alteration is predicted to be tolerated by in silico analysis. Based on the available evidence, the clinical significance of this variant remains unclear.